The following is an entry in ClinVar:

ClinVar aggregate classification (germline): Uncertain significance (1 of 4 stars; one submission).

gnomAD v4.1: 8 of 1,613,862 alleles (0.0005%); highest among the groups gnomAD compares: African/African-American, 0.0067%; no homozygotes.

Submission:

Labcorp Genetics (formerly Invitae), Labcorp
Classification: Uncertain significance. Last evaluated: 2024-05-01. Review status: criteria provided, single submitter. Criteria: Invitae Variant Classification Sherloc (09022015). Collection method: clinical testing. Allele origin: germline.
Comment: This sequence change replaces glutamic acid, which is acidic and polar, with alanine, which is neutral and non-polar, at codon 2067 of the PCLO protein (p.Glu2067Ala). This variant is present in population databases (rs377592134, gnomAD 0.01%). This variant has not been reported in the literature in individuals affected with PCLO-related conditions. Experimental studies and prediction algorithms are not available or were not evaluated, and the functional significance of this variant is currently unknown. In summary, the available evidence is currently insufficient to determine the role of this variant in disease. Therefore, it has been classified as a Variant of Uncertain Significance.

NM_033026.6(PCLO):c.6200A>C (p.Glu2067Ala)

Gene: PCLO (piccolo presynaptic cytomatrix protein; minus strand). Cytogenetic location: 7q21.11.
Variant type: single nucleotide variant.
Coding change: c.6200A>C on transcript NM_033026.6 (MANE Select); coding-DNA position 6200, A replaced by C.
Protein change: p.Glu2067Ala; replaces glutamic acid 2067 with alanine.
Molecular consequence: missense variant.
Genome position (GRCh38, 1-based): chr7:82,954,753, T>G on the plus strand (A>C on the coding strand, the complement: PCLO is on the minus strand). VCF-style: chr7-82954753-T-G. GRCh37 (hg19) VCF-style: chr7-82584069-T-G.
Other names: c.6200A>C, p.Glu2067Ala (NM_014510.3); short protein forms E2067A.
Identifiers: ClinVar variation 3619783 (VCV003619783.1).